The following is an entry in ClinVar:

ClinVar aggregate classification (germline): Uncertain significance (1 of 4 stars; one submission).

Conditions:
Epilepsy, familial focal, with variable foci 3 (FFEVF3). Identifiers: MedGen C4310708, MONDO:0014925, OMIM 617118.

Submission:

Labcorp Genetics (formerly Invitae), Labcorp
Classification: Uncertain significance for Epilepsy, familial focal, with variable foci 3. Last evaluated: 2018-07-04. Review status: criteria provided, single submitter. Criteria: Invitae Variant Classification Sherloc (09022015). Collection method: clinical testing. Allele origin: germline.
Comment: This variant results in a copy number gain of the genomic region encompassing exon 2 of the NPRL3 gene. The 5' end of this event is unknown as it extends beyond the assayed region for this gene and therefore may encompass additional genes. The 3' boundary is likely confined to intron 2 of the NPRL3 gene. As the precise location of this event is unknown, it may be in tandem or it may be located elsewhere in the genome. This variant has not been reported in the literature in individuals with NPRL3-related disease. In summary, the available evidence is currently insufficient to determine the role of this variant in disease. Therefore, it has been classified as a Variant of Uncertain Significance.

NC_000016.9:g.(?_188129)_(188286_?)dup

Genes: HBA-LCR (alpha-globin locus control region; plus strand), NPRL3 (NPR3 like, GATOR1 complex subunit; minus strand). Cytogenetic location: 16p13.3.
Variant type: Duplication.
Identifiers: ClinVar variation 660705 (VCV000660705.4).